The following is an entry in ClinVar:

NM_005228.5(EGFR):c.1532C>T (p.Ser511Phe)

Gene: EGFR (epidermal growth factor receptor; plus strand). Cytogenetic location: 7p11.2.
Variant type: single nucleotide variant.
Coding change: c.1532C>T on transcript NM_005228.5 (MANE Select); coding-DNA position 1532, C replaced by T.
Protein change: p.Ser511Phe; replaces serine 511 with phenylalanine.
Molecular consequence: missense variant.
Genome position (GRCh38, 1-based): chr7:55,161,532, C>T. VCF-style: chr7-55161532-C-T. GRCh37 (hg19) VCF-style: chr7-55229225-C-T.
Other names: c.1397C>T, p.Ser466Phe (NM_001346897.2, NM_001346899.2); c.1532C>T, p.Ser511Phe (NM_001346898.2, NM_201282.2, NM_201284.2); c.1373C>T, p.Ser458Phe (NM_001346900.2); c.731C>T, p.Ser244Phe (NM_001346941.2); short protein forms S458F, S466F, S244F, S511F.
Identifiers: ClinVar variation 1397916 (VCV001397916.8), dbSNP rs371114444, ClinGen allele CA367579837.

ClinVar aggregate classification (germline): Uncertain significance (1 of 4 stars; one submission).

Conditions:
EGFR-related lung cancer (EGFR). Identifiers: MedGen CN130014.

Submission:

Labcorp Genetics (formerly Invitae), Labcorp
Classification: Uncertain significance for EGFR-related lung cancer. Last evaluated: 2021-05-28. Review status: criteria provided, single submitter. Criteria: Invitae Variant Classification Sherloc (09022015). Collection method: clinical testing. Allele origin: germline.
Comment: This variant has not been reported in the literature in individuals with EGFR-related conditions. This variant is not present in population databases (ExAC no frequency). This sequence change replaces serine with phenylalanine at codon 511 of the EGFR protein (p.Ser511Phe). The serine residue is moderately conserved and there is a large physicochemical difference between serine and phenylalanine. Algorithms developed to predict the effect of missense changes on protein structure and function are either unavailable or do not agree on the potential impact of this missense change (SIFT: "Deleterious"; PolyPhen-2: "Probably Damaging"; Align-GVGD: "Class C0"). In summary, the available evidence is currently insufficient to determine the role of this variant in disease. Therefore, it has been classified as a Variant of Uncertain Significance.